The following is an entry in ClinVar:

NM_004360.5(CDH1):c.943_946del (p.Asn315fs)

Gene: CDH1 (cadherin 1; plus strand). Cytogenetic location: 16q22.1.
Variant type: Deletion.
Coding change: c.943_946del on transcript NM_004360.5 (MANE Select); coding-DNA positions 943 to 946, 4 bases deleted (AATA; older notation c.943_946delAATA).
Protein change: p.Asn315fs; shifts the reading frame from asparagine 315.
Molecular consequence: frameshift variant. On other transcripts: 5 prime UTR variant (2).
Genome position (GRCh38, 1-based): chr16:68,811,794-68,811,797, AATA deleted; deleting any 4 consecutive bases within chr16:68,811,793-68,811,797 gives the same sequence; the c. name uses the placement nearest the transcript's 3' end. VCF-style (leftmost placement, unchanged base first): chr16-68811792-AAAAT-A. GRCh37 (hg19) VCF-style: chr16-68845695-AAAAT-A.
Other names: c.943_946del, p.Asn315fs (NM_001317184.2); c.-673_-670del (NM_001317185.2); c.-877_-874del (NM_001317186.2); short protein forms N315fs.
Identifiers: ClinVar variation 2583727 (VCV002583727.2), dbSNP rs2543922634, ClinGen allele CA2582342563.

ClinVar aggregate classification (germline): Pathogenic (1 of 4 stars; one submission).

Conditions:
Hereditary diffuse gastric adenocarcinoma (HDGC). Also called: DIFFUSE GASTRIC AND LOBULAR BREAST CANCER SYNDROME. Identifiers: Orphanet 26106, MedGen C1708349, MONDO:0007648, OMIM 137215.

Submission:

Myriad Genetics, Inc.
Classification: Pathogenic for Hereditary diffuse gastric adenocarcinoma. Last evaluated: 2023-06-12. Review status: criteria provided, single submitter. Criteria: Myriad Autosomal Dominant, Autosomal Recessive and X-Linked Classification Criteria (2023). Collection method: clinical testing. Allele origin: unknown.
Comment: This variant is considered pathogenic. This variant creates a frameshift predicted to result in premature protein truncation.